The following is an entry in ClinVar:

NM_000181.4(GUSB):c.883G>A (p.Glu295Lys)

Gene: GUSB (glucuronidase beta; minus strand). Cytogenetic location: 7q11.21.
Variant type: single nucleotide variant.
Coding change: c.883G>A on transcript NM_000181.4 (MANE Select); coding-DNA position 883, G replaced by A.
Protein change: p.Glu295Lys; replaces glutamic acid 295 with lysine.
Molecular consequence: missense variant. On other transcripts: non-coding transcript variant (1), intron variant (1).
Genome position (GRCh38, 1-based): chr7:65,976,044, C>T on the plus strand (G>A on the coding strand, the complement: GUSB is on the minus strand). VCF-style: chr7-65976044-C-T. GRCh37 (hg19) VCF-style: chr7-65441031-C-T.
Other names: c.313G>A, p.Glu105Lys (NM_001293104.2); c.226G>A, p.Glu76Lys (NM_001293105.2); c.475-973G>A (NM_001284290.2); short protein forms E105K, E295K, E76K.
Identifiers: ClinVar variation 3013779 (VCV003013779.3), dbSNP rs1335907021, ClinGen allele CA367645883.

ClinVar aggregate classification (germline): Uncertain significance (1 of 4 stars; one submission).

Conditions:
Mucopolysaccharidosis type 7 (MPS7). Also called: BETA-GLUCURONIDASE DEFICIENCY; GUSB DEFICIENCY; SLY SYNDROME; MPS VII. Identifiers: Orphanet 584, MedGen C0085132, MONDO:0009662, OMIM 253220.

Allele frequency attached by ClinVar (database versions not stated): gnomAD exomes below 0.00001; gnomAD 0.00001.

Submission:

Labcorp Genetics (formerly Invitae), Labcorp
Classification: Uncertain significance for Mucopolysaccharidosis type 7. Last evaluated: 2023-03-18. Review status: criteria provided, single submitter. Criteria: Invitae Variant Classification Sherloc (09022015). Collection method: clinical testing. Allele origin: germline.
Comment: In summary, the available evidence is currently insufficient to determine the role of this variant in disease. Therefore, it has been classified as a Variant of Uncertain Significance. Algorithms developed to predict the effect of missense changes on protein structure and function output the following: SIFT: "Not Available"; PolyPhen-2: "Benign"; Align-GVGD: "Not Available". The lysine amino acid residue is found in multiple mammalian species, which suggests that this missense change does not adversely affect protein function. This variant has not been reported in the literature in individuals affected with GUSB-related conditions. This variant is not present in population databases (gnomAD no frequency). This sequence change replaces glutamic acid, which is acidic and polar, with lysine, which is basic and polar, at codon 295 of the GUSB protein (p.Glu295Lys).